The following is an entry in ClinVar:

NM_000443.4(ABCB4):c.155A>T (p.Gln52Leu)

Gene: ABCB4 (ATP binding cassette subfamily B member 4; minus strand). Cytogenetic location: 7q21.12.
Variant type: single nucleotide variant.
Coding change: c.155A>T on transcript NM_000443.4 (MANE Select); coding-DNA position 155, A replaced by T.
Protein change: p.Gln52Leu; replaces glutamine 52 with leucine.
Molecular consequence: missense variant.
Genome position (GRCh38, 1-based): chr7:87,462,889, T>A on the plus strand (A>T on the coding strand, the complement: ABCB4 is on the minus strand). VCF-style: chr7-87462889-T-A. GRCh37 (hg19) VCF-style: chr7-87092205-T-A.
Other names: c.155A>T, p.Gln52Leu (NM_018849.3, NM_018850.3); short protein forms Q52L.
Identifiers: ClinVar variation 4846588 (VCV004846588.1).

ClinVar aggregate classification (germline): Uncertain significance (1 of 4 stars; one submission).

Conditions:
Familial intrahepatic cholestasis. Identifiers: Orphanet 284385, MedGen CN296401, MONDO:0017290.
Low phospholipid associated cholelithiasis (GBD1). Also called: Gallbladder disease 1; Gallstone cholecystitis. Identifiers: Orphanet 69663, MedGen C2609268, MONDO:0010939, OMIM 600803.

Submission:

Genomenon, Inc
Classification: Uncertain significance for Familial intrahepatic cholestasis; Low phospholipid associated cholelithiasis. Last evaluated: 2026-04-14. Review status: criteria provided, single submitter. Criteria: Genomenon Sequence Variant Interpretation Standards - Updated. Collection method: curation. Allele origin: germline. Affected: no.
Comment: ABCB4 p.Gln52Leu (c.155A>T) is a missense variant that changes the amino acid at residue 52 from Glutamine to Leucine. To our knowledge, this variant has not been reported in patients affected with an ABCB4-related disorder in the published literature. Functional studies have been reported (PMID:34107287). It is absent or not present at a significant frequency in gnomAD. In silico models predict that this variant is not damaging. In conclusion, we classify ABCB4 p.Gln52Leu (c.155A>T) as a variant of uncertain significance.

Literature cited by the submitters: PubMed 34107287.